The following is an entry in ClinVar:

NM_001987.5(ETV6):c.605G>C (p.Arg202Pro)

Gene: ETV6 (ETS variant transcription factor 6; plus strand). Cytogenetic location: 12p13.2.
Variant type: single nucleotide variant.
Coding change: c.605G>C on transcript NM_001987.5 (MANE Select); coding-DNA position 605, G replaced by C.
Protein change: p.Arg202Pro; replaces arginine 202 with proline.
Molecular consequence: missense variant.
Genome position (GRCh38, 1-based): chr12:11,869,565, G>C. VCF-style: chr12-11869565-G-C. GRCh37 (hg19) VCF-style: chr12-12022499-G-C.
Other names: c.602G>C, p.Arg201Pro (NM_001413913.1); c.578G>C, p.Arg193Pro (NM_001413914.1); c.341G>C, p.Arg114Pro (NM_001413915.1); c.605G>C, p.Arg202Pro (NM_001413916.1, NM_001413917.1); short protein forms R202P, R193P, R201P, R114P.
Identifiers: ClinVar variation 4251463 (VCV004251463.1).

ClinVar aggregate classification (germline): Uncertain significance (1 of 4 stars; one submission).

Conditions:
Inborn genetic diseases. Identifiers: MedGen C0950123, MeSH D030342.

gnomAD v4.1: 2 of 1,614,058 alleles (0.00012%); highest among the groups gnomAD compares: Non-Finnish European, 0.00017%; no homozygotes.

Submission:

Ambry Genetics
Classification: Uncertain significance for Inborn genetic diseases. Last evaluated: 2025-07-31. Review status: criteria provided, single submitter. Criteria: Ambry Variant Classification Scheme 2023. Collection method: clinical testing. Allele origin: germline.
Comment: The p.R202P variant (also known as c.605G>C), located in coding exon 5 of the ETV6 gene, results from a G to C substitution at nucleotide position 605. The arginine at codon 202 is replaced by proline, an amino acid with dissimilar properties. This amino acid position is well conserved in available vertebrate species. In addition, this alteration is predicted to be tolerated by in silico analysis. Based on the available evidence, the clinical significance of this variant remains unclear.